The following is an entry in ClinVar:

NM_004484.4(GPC3):c.1220G>A (p.Gly407Asp)

Gene: GPC3 (glypican 3; minus strand). Cytogenetic location: Xq26.2.
Variant type: single nucleotide variant.
Coding change: c.1220G>A on transcript NM_004484.4 (MANE Select); coding-DNA position 1220, G replaced by A.
Protein change: p.Gly407Asp; replaces glycine 407 with aspartic acid.
Molecular consequence: missense variant.
Genome position (GRCh38, 1-based): chrX:133,692,441, C>T on the plus strand (G>A on the coding strand, the complement: GPC3 is on the minus strand). VCF-style: chrX-133692441-C-T. GRCh37 (hg19) VCF-style: chrX-132826469-C-T.
Other names: c.1289G>A, p.Gly430Asp (NM_001164617.2); c.1172G>A, p.Gly391Asp (NM_001164618.2); c.1058G>A, p.Gly353Asp (NM_001164619.2); short protein forms G391D, G430D, G353D, G407D.
Identifiers: ClinVar variation 1374579 (VCV001374579.6), dbSNP rs752259157, ClinGen allele CA10520703.
Genomic context (GRCh38, chrX:133,692,441, plus strand): 5'-TCTTGTCCATTCCAGCAAAGGGTGTCGTTTTCCGCCACAGGGCTATGGCTGCAGATGTAG[C>T]CAGGCAAAGCACTATAGAAGCTGATGAAAGACTTCAACTTCTGAATTAGTTCCCTAAAAG-3'
Protein context (NP_004475.1, residues 397-417): SFISFYSALP[Gly407Asp]YICSHSPVAE

ClinVar aggregate classification (germline): Uncertain significance (1 of 4 stars; one submission).

Conditions:
Wilms tumor 1 (WT1). Also called: Wilms tumor, somatic. Identifiers: Orphanet 654, MedGen CN033288, MONDO:0008679, OMIM 194070.

Allele frequency attached by ClinVar (database versions not stated): gnomAD exomes below 0.00001 and 0.00001; ExAC 0.00001.
gnomAD v4.1: 1 of 1,204,814 alleles (0.000083%); highest among the groups gnomAD compares: Non-Finnish European, 0.00011%; no homozygotes.

Submission:

Labcorp Genetics (formerly Invitae), Labcorp
Classification: Uncertain significance for Wilms tumor 1. Last evaluated: 2021-08-12. Review status: criteria provided, single submitter. Criteria: Invitae Variant Classification Sherloc (09022015). Collection method: clinical testing. Allele origin: germline.
Comment: This variant has not been reported in the literature in individuals affected with GPC3-related conditions. In summary, the available evidence is currently insufficient to determine the role of this variant in disease. Therefore, it has been classified as a Variant of Uncertain Significance. Algorithms developed to predict the effect of missense changes on protein structure and function (SIFT, PolyPhen-2, Align-GVGD) all suggest that this variant is likely to be tolerated. This variant is present in population databases (rs752259157, ExAC 0.002%). This sequence change replaces glycine with aspartic acid at codon 407 of the GPC3 protein (p.Gly407Asp). The glycine residue is weakly conserved and there is a moderate physicochemical difference between glycine and aspartic acid.